The following is an entry in ClinVar:

NM_002386.4(MC1R):c.718G>A (p.Ala240Thr)

Gene: MC1R (melanocortin 1 receptor; plus strand). Cytogenetic location: 16q24.3.
Variant type: single nucleotide variant.
Coding change: c.718G>A on transcript NM_002386.4 (MANE Select); coding-DNA position 718, G replaced by A.
Protein change: p.Ala240Thr; replaces alanine 240 with threonine.
Molecular consequence: missense variant.
Genome position (GRCh38, 1-based): chr16:89,919,976, G>A. VCF-style: chr16-89919976-G-A. GRCh37 (hg19) VCF-style: chr16-89986384-G-A.
Other names: short protein forms A240T.
Identifiers: ClinVar variation 1447574 (VCV001447574.6), dbSNP rs778930648, ClinGen allele CA8255721.

ClinVar aggregate classification (germline): Uncertain significance (1 of 4 stars; one submission).

Conditions:
Melanoma, cutaneous malignant, susceptibility to, 5. Also called: Cutaneous malignant melanoma 5. Identifiers: Orphanet 618, MedGen C2751295, MONDO:0013133, OMIM 613099.

Allele frequency attached by ClinVar (database versions not stated): gnomAD 0.00001; gnomAD exomes 0.00002 and 0.00004; ExAC 0.00003; TOPMed 0.00003.

Submission:

Labcorp Genetics (formerly Invitae), Labcorp
Classification: Uncertain significance for Melanoma, cutaneous malignant, susceptibility to, 5. Last evaluated: 2025-01-06. Review status: criteria provided, single submitter. Criteria: Invitae Variant Classification Sherloc (09022015). Collection method: clinical testing. Allele origin: germline.
Comment: This sequence change replaces alanine, which is neutral and non-polar, with threonine, which is neutral and polar, at codon 240 of the MC1R protein (p.Ala240Thr). This variant is present in population databases (rs778930648, gnomAD 0.01%). This missense change has been observed in individual(s) with melanoma (PMID: 26800492). ClinVar contains an entry for this variant (Variation ID: 1447574). Invitae Evidence Modeling of protein sequence and biophysical properties (such as structural, functional, and spatial information, amino acid conservation, physicochemical variation, residue mobility, and thermodynamic stability) indicates that this missense variant is not expected to disrupt MC1R protein function with a negative predictive value of 80%. In summary, the available evidence is currently insufficient to determine the role of this variant in disease. Therefore, it has been classified as a Variant of Uncertain Significance.

Literature cited by the submitters: PubMed 26800492.